The following is an entry in ClinVar:

NM_000512.5(GALNS):c.-10C>T

Genes: GALNS (galactosamine (N-acetyl)-6-sulfatase; minus strand), TRAPPC2L (trafficking protein particle complex subunit 2L; plus strand), LOC130059762 (ATAC-STARR-seq lymphoblastoid silent region 7883; plus strand). Cytogenetic location: 16q24.3.
Variant type: single nucleotide variant.
Coding change: c.-10C>T on transcript NM_000512.5 (MANE Select); 10 bases upstream of the start codon, C replaced by T.
Molecular consequence: 5 prime UTR variant.
Genome position (GRCh38, 1-based): chr16:88,856,887, G>A on the plus strand (C>T on the coding strand, the complement: GALNS is on the minus strand). VCF-style: chr16-88856887-G-A. GRCh37 (hg19) VCF-style: chr16-88923295-G-A.
Other names: c.-441C>T (NM_001323543.2); c.-162C>T (NM_001323544.2).
Identifiers: ClinVar variation 4988535 (VCV004988535.1).
Genomic context (GRCh38, chr16:88,856,887, plus strand): 5'-GAGCACCAGCAACAGCTGCCACCACCTCGTCGCCGCGACAACCGCCGCCATGGCAACCAC[G>A]GGAGCCGCGGAGCCCCGGCCAGCGAGCCGACCTAGCGAGCGTCCGCCGGCCCTTCCGGCT-3'

ClinVar aggregate classification (germline): Uncertain significance (1 of 4 stars; one submission).

Conditions:
GALNS-related disorder. Also called: GALNS-related condition.

gnomAD v4.1: 12 of 1,504,914 alleles (0.0008%); highest among the groups gnomAD compares: African/African-American, 0.012%; no homozygotes.

Submission:

PreventionGenetics, part of Exact Sciences
Classification: Uncertain significance for GALNS-related condition. Last evaluated: 2025-12-01. Review status: criteria provided, single submitter. Criteria: ACMG Guidelines, 2015. Collection method: clinical testing. Allele origin: germline.
Comment: The GALNS c.-10C>T variant is located in the 5' untranslated region. To our knowledge, this variant has not been reported in the literature. This variant is reported in 0.0045% of alleles in individuals of Latino descent in gnomAD. At this time, the clinical significance of this variant is uncertain due to the absence of conclusive functional and genetic evidence.